The following is an entry in ClinVar:

ClinVar aggregate classification (germline): Uncertain significance. Review status: criteria provided, multiple submitters, no conflicts (2 of 4 stars). 3 submissions from 3 submitters: Uncertain significance (3). Last evaluated 2025-06-04.

Conditions:
Inborn genetic diseases. Identifiers: MedGen C0950123, MeSH D030342.
Potassium-aggravated myotonia. Also called: MYOTONIA CONGENITA, ACETAZOLAMIDE-RESPONSIVE; MYOTONIA CONGENITA, ATYPICAL; SODIUM CHANNEL MUSCLE DISEASE; Myotonia congenita, atypical, acetazolamide-responsive. Identifiers: Orphanet 612, Orphanet 99734, Orphanet 99735, Orphanet 99736, MedGen C2931826, MONDO:0018959, OMIM 608390.
Paramyotonia congenita of Von Eulenburg. Also called: PARALYSIS PERIODICA PARAMYOTONICA; Eulenburg disease; Myotonia congenita intermittens; Von Eulenburg paramyotonia congenita; Paramyotonia Congenita. Identifiers: Orphanet 684, MedGen C0221055, MONDO:0008195, OMIM 168300. Disease mechanism: loss of function.
Congenital myopathy 22A, classic (CMYO22A). Identifiers: MedGen C5830453, MONDO:0957247, OMIM 620351.
Congenital myopathy 22B, severe fetal (CMYO22B). Identifiers: MedGen C5830501, MONDO:0957265, OMIM 620369.
Congenital myasthenic syndrome 16. Identifiers: Orphanet 590, MedGen C3280112, MONDO:0013620, OMIM 614198.
Hypokalemic periodic paralysis, type 2 (HOKPP2). Identifiers: Orphanet 681, MedGen C2750061, MONDO:0013234, OMIM 613345.
Hyperkalemic periodic paralysis. Also called: Familial hyperkalemic periodic paralysis; Gamstorp disease. Identifiers: Orphanet 682, MedGen C0238357, MONDO:0008224, OMIM 170500, HP:0007215.

Allele frequency attached by ClinVar (database versions not stated): 1000 Genomes Project 0.00020; gnomAD 0.00005; 1000 Genomes Project 30x 0.00016.
gnomAD v4.1: 13 of 1,613,296 alleles (0.00081%); highest among the groups gnomAD compares: Admixed American, 0.017%; no homozygotes.

Submissions (3):

Labcorp Genetics (formerly Invitae), Labcorp
Classification: Uncertain significance for Hyperkalemic periodic paralysis. Last evaluated: 2025-06-04. Review status: criteria provided, single submitter. Criteria: Invitae Variant Classification Sherloc (09022015). Collection method: clinical testing. Allele origin: germline.
Comment: This sequence change replaces isoleucine, which is neutral and non-polar, with methionine, which is neutral and non-polar, at codon 586 of the SCN4A protein (p.Ile586Met). This variant is present in population databases (rs200779848, gnomAD 0.006%). This variant has not been reported in the literature in individuals affected with SCN4A-related conditions. ClinVar contains an entry for this variant (Variation ID: 2151087). Invitae Evidence Modeling of protein sequence and biophysical properties (such as structural, functional, and spatial information, amino acid conservation, physicochemical variation, residue mobility, and thermodynamic stability) indicates that this missense variant is expected to disrupt SCN4A protein function with a positive predictive value of 80%. In summary, the available evidence is currently insufficient to determine the role of this variant in disease. Therefore, it has been classified as a Variant of Uncertain Significance.

Ambry Genetics
Classification: Uncertain significance for Inborn genetic diseases. Last evaluated: 2024-10-01. Review status: criteria provided, single submitter. Criteria: Ambry Variant Classification Scheme 2023. Collection method: clinical testing. Allele origin: germline.

Fulgent Genetics
Classification: Uncertain significance for Paramyotonia congenita of Von Eulenburg; Hyperkalemic periodic paralysis; Potassium-aggravated myotonia; Hypokalemic periodic paralysis, type 2; Congenital myasthenic syndrome 16; Congenital myopathy 22A, classic; Congenital myopathy 22B, severe fetal. Last evaluated: 2024-01-08. Review status: criteria provided, single submitter. Criteria: ACMG Guidelines, 2015. Collection method: clinical testing. Allele origin: germline.

NM_000334.4(SCN4A):c.1758C>G (p.Ile586Met)

Gene: SCN4A (sodium voltage-gated channel alpha subunit 4; minus strand). Cytogenetic location: 17q23.3.
Variant type: single nucleotide variant.
Coding change: c.1758C>G on transcript NM_000334.4 (MANE Select); coding-DNA position 1758, C replaced by G.
Protein change: p.Ile586Met; replaces isoleucine 586 with methionine.
Molecular consequence: missense variant.
Genome position (GRCh38, 1-based): chr17:63,961,280, G>C on the plus strand (C>G on the coding strand, the complement: SCN4A is on the minus strand). VCF-style: chr17-63961280-G-C. GRCh37 (hg19) VCF-style: chr17-62038640-G-C.
Other names: short protein forms I586M.
Identifiers: ClinVar variation 2151087 (VCV002151087.6), dbSNP rs200779848, ClinGen allele CA8709751.